The following is an entry in ClinVar:

ClinVar aggregate classification (germline): Pathogenic/Likely pathogenic. Review status: no assertion criteria provided (0 of 4 stars). 2 submissions from 2 submitters: Pathogenic (1); Likely pathogenic (1). Last evaluated 2020-05-27.

Conditions:
APOE4(-)-FREIBURG.
Familial hypercholesterolemia. Also called: Familial hypercholesterolemias; Familial hypercholesterolaemia. Identifiers: MedGen C0020445, MONDO:0005439.

Submissions (2):

GBinsight Genetic Testing by GB HealthWatch, Genben Lifesciences Corporation
Classification: Likely pathogenic for Familial hypercholesterolemia. Last evaluated: 2020-05-27. Review status: no assertion criteria provided. Collection method: clinical testing. Allele origin: germline. Inheritance: Autosomal dominant inheritance. Affected: yes. Observed: 1 heterozygote.
Comment: Multiple, unrelated, probands were referred, from independent clinics, for clinical genetic testing for familial hypercholesterolemia. Clinical genetic testing identified heterozygosity for the APOE4(-)-FREIBURG haplotype consisting of p.Cys130Arg (E4) AND p.Leu46Pro genetic variants in the germline. Amongst these, all had the haplotype. Phenotype segregated with genotype in the families tested.

OMIM
Classification: Pathogenic for APOE4(-)-FREIBURG. Last evaluated: 2017-02-15. Review status: no assertion criteria provided. Collection method: literature only. Allele origin: germline.

Literature cited by the submitters: Wieland, H., Funke, H., Krieg, J., Luley, C. ApoE3-Freiburg and apoE4-Freiburg are two genetic apoE variants which are caused by exchanges of uncharged amino acids and do not appear to be associated with lipid disorders or heart disease. Abstract Book of the Ninth International Symposium on Atherosclerosis. Rosemont, Illinois 1991. P. 164. (cited by OMIM).

NM_000041.3(APOE):c.[137T>C;388T>C]

Variant type: Haplotype.
Identifiers: ClinVar variation 441268 (VCV000441268.5).